The following is an entry in ClinVar:

ClinVar aggregate classification (germline): Benign/Likely benign. Review status: criteria provided, multiple submitters, no conflicts (2 of 4 stars). 4 submissions from 4 submitters: Benign (2); Likely benign (1). 1 of the submissions does not count toward it. Last evaluated 2026-02-01.

Conditions:
SMS-related disorder. Also called: SMS-related condition.
Inborn genetic diseases. Identifiers: MedGen C0950123, MeSH D030342.

Allele frequency attached by ClinVar (database versions not stated): ESP Exome Variant Server 0.00057; gnomAD 0.00099 and 0.00102; TOPMed 0.00131; 1000 Genomes Project 0.00212; 1000 Genomes Project 30x 0.00250; gnomAD exomes 0.00010 and 0.00025; ExAC 0.00034.
gnomAD v4.1: 235 of 1,206,403 alleles (0.019%); highest among the groups gnomAD compares: African/African-American, 0.32%; no homozygotes.

Submissions (4):

Labcorp Genetics (formerly Invitae), Labcorp
Classification: Benign. Last evaluated: 2026-02-01. Review status: criteria provided, single submitter. Criteria: Invitae Variant Classification Sherloc (09022015). Collection method: clinical testing. Allele origin: germline.

Blueprint Genetics
Classification: Likely benign. Last evaluated: 2024-11-08. Review status: criteria provided, single submitter. Criteria: ACMG Guidelines, 2015. Collection method: clinical testing. Allele origin: germline.

Ambry Genetics
Classification: Benign for Inborn genetic diseases. Last evaluated: 2017-07-21. Review status: criteria provided, single submitter. Criteria: Ambry Variant Classification Scheme 2023. Collection method: clinical testing. Allele origin: germline.

PreventionGenetics, part of Exact Sciences
Classification: Likely benign for SMS-related condition. Last evaluated: 2020-04-10. Review status: no assertion criteria provided. Collection method: clinical testing. Allele origin: germline. Not counted in ClinVar's aggregate classification.
Comment: This variant is classified as likely benign based on ACMG/AMP sequence variant interpretation guidelines (Richards et al. 2015 PMID: 25741868, with internal and published modifications).

NM_004595.5(SMS):c.561A>G (p.Glu187=)

Gene: SMS (spermine synthase; plus strand). Cytogenetic location: Xp22.11.
Variant type: single nucleotide variant.
Coding change: c.561A>G on transcript NM_004595.5 (MANE Select); coding-DNA position 561, A replaced by G.
Protein change: p.Glu187=; no amino-acid change (glutamic acid 187 retained).
Molecular consequence: synonymous variant.
Genome position (GRCh38, 1-based): chrX:21,978,015, A>G. VCF-style: chrX-21978015-A-G. GRCh37 (hg19) VCF-style: chrX-21996133-A-G.
Other names: c.402A>G, p.Glu134= (NM_001258423.2).
Identifiers: ClinVar variation 590234 (VCV000590234.14), dbSNP rs138516691, ClinGen allele CA10367809.